The following is an entry in ClinVar:

NM_206933.4(USH2A):c.9787A>G (p.Ile3263Val)

Gene: USH2A (usherin; minus strand). Cytogenetic location: 1q41.
Variant type: single nucleotide variant.
Coding change: c.9787A>G on transcript NM_206933.4 (MANE Select); coding-DNA position 9787, A replaced by G.
Protein change: p.Ile3263Val; replaces isoleucine 3263 with valine.
Molecular consequence: missense variant.
Genome position (GRCh38, 1-based): chr1:215,799,078, T>C on the plus strand (A>G on the coding strand, the complement: USH2A is on the minus strand). VCF-style: chr1-215799078-T-C. GRCh37 (hg19) VCF-style: chr1-215972420-T-C.
Other names: c.9787A>G (NM_206933.2); short protein forms I3263V.
Identifiers: ClinVar variation 1978745 (VCV001978745.2), dbSNP rs1013283589, ClinGen allele CA37448628.

ClinVar aggregate classification (germline): Uncertain significance. Review status: criteria provided, multiple submitters, no conflicts (2 of 4 stars). 2 submissions from 2 submitters: Uncertain significance (2). Last evaluated 2023-04-12.

Allele frequency attached by ClinVar (database versions not stated): gnomAD exomes below 0.00001; TOPMed 0.00001.
gnomAD v4.1: 3 of 1,614,074 alleles (0.00019%); highest among the groups gnomAD compares: East Asian, 0.0022%; no homozygotes.

Submissions (2):

GeneDx
Classification: Uncertain significance. Last evaluated: 2023-04-12. Review status: criteria provided, single submitter. Criteria: GeneDx Variant Classification Process June 2021. Collection method: clinical testing. Allele origin: germline. Affected: yes.
Comment: Not observed at significant frequency in large population cohorts (gnomAD); In silico analysis supports that this missense variant does not alter protein structure/function; Has not been previously published as pathogenic or benign to our knowledge

Labcorp Genetics (formerly Invitae), Labcorp
Classification: Uncertain significance. Last evaluated: 2022-07-13. Review status: criteria provided, single submitter. Criteria: Invitae Variant Classification Sherloc (09022015). Collection method: clinical testing. Allele origin: germline.
Comment: This sequence change replaces isoleucine, which is neutral and non-polar, with valine, which is neutral and non-polar, at codon 3263 of the USH2A protein (p.Ile3263Val). This variant is not present in population databases (gnomAD no frequency). This variant has not been reported in the literature in individuals affected with USH2A-related conditions. Algorithms developed to predict the effect of missense changes on protein structure and function (SIFT, PolyPhen-2, Align-GVGD) all suggest that this variant is likely to be tolerated. In summary, the available evidence is currently insufficient to determine the role of this variant in disease. Therefore, it has been classified as a Variant of Uncertain Significance.